The following is an entry in ClinVar:

ClinVar aggregate classification (germline): Uncertain significance (1 of 4 stars; one submission).

Allele frequency attached by ClinVar (database versions not stated): ExAC 0.00001; gnomAD exomes 0.00002.
gnomAD v4.1: 7 of 1,613,926 alleles (0.00043%); highest among the groups gnomAD compares: Admixed American, 0.01%; no homozygotes.

Submission:

Labcorp Genetics (formerly Invitae), Labcorp
Classification: Uncertain significance. Last evaluated: 2026-01-05. Review status: criteria provided, single submitter. Criteria: Invitae Variant Classification Sherloc (09022015). Collection method: clinical testing. Allele origin: germline.
Comment: This sequence change replaces asparagine, which is neutral and polar, with threonine, which is neutral and polar, at codon 303 of the CD55 protein (p.Asn303Thr). This variant is present in population databases (rs771945904, gnomAD 0.01%). This variant has not been reported in the literature in individuals affected with CD55-related conditions. ClinVar contains an entry for this variant (Variation ID: 1472256). Invitae Evidence Modeling of protein sequence and biophysical properties (such as structural, functional, and spatial information, amino acid conservation, physicochemical variation, residue mobility, and thermodynamic stability) indicates that this missense variant is not expected to disrupt CD55 protein function with a negative predictive value of 80%. In summary, the available evidence is currently insufficient to determine the role of this variant in disease. Therefore, it has been classified as a Variant of Uncertain Significance.

NM_000574.5(CD55):c.908A>C (p.Asn303Thr)

Gene: CD55 (CD55 molecule (Cromer blood group); plus strand). Cytogenetic location: 1q32.2.
Variant type: single nucleotide variant.
Coding change: c.908A>C on transcript NM_000574.5 (MANE Select); coding-DNA position 908, A replaced by C.
Protein change: p.Asn303Thr; replaces asparagine 303 with threonine.
Molecular consequence: missense variant. On other transcripts: non-coding transcript variant (1).
Genome position (GRCh38, 1-based): chr1:207,336,747, A>C. VCF-style: chr1-207336747-A-C. GRCh37 (hg19) VCF-style: chr1-207510092-A-C.
Other names: c.908A>C, p.Asn303Thr (NM_001114752.3, NM_001300902.2, NM_001300903.2 and 1 more transcripts); short protein forms N303T.
Identifiers: ClinVar variation 1472256 (VCV001472256.8), dbSNP rs771945904, ClinGen allele CA1368131.